The following is an entry in ClinVar:

NM_032043.3(BRIP1):c.2097+4A>T

Gene: BRIP1 (BRCA1 interacting DNA helicase 1; minus strand). Cytogenetic location: 17q23.2.
Variant type: single nucleotide variant.
Coding change: c.2097+4A>T on transcript NM_032043.3 (MANE Select); 4 bases into the intron after coding-DNA position 2097, A replaced by T.
Molecular consequence: intron variant.
Genome position (GRCh38, 1-based): chr17:61,776,397, T>A on the plus strand (A>T on the coding strand, the complement: BRIP1 is on the minus strand). VCF-style: chr17-61776397-T-A. GRCh37 (hg19) VCF-style: chr17-59853758-T-A.
Identifiers: ClinVar variation 3993153 (VCV003993153.1).

ClinVar aggregate classification (germline): Uncertain significance (1 of 4 stars; one submission).

Conditions:
Hereditary cancer-predisposing syndrome. Also called: Tumor predisposition; Hereditary neoplastic syndrome; Neoplastic Syndromes, Hereditary; Hereditary Cancer Syndrome. Identifiers: Orphanet 140162, MedGen C0027672, MeSH D009386, MONDO:0015356.

Submission:

Ambry Genetics
Classification: Uncertain significance for Hereditary cancer-predisposing syndrome. Last evaluated: 2025-05-20. Review status: criteria provided, single submitter. Criteria: Ambry Variant Classification Scheme 2023. Collection method: clinical testing. Allele origin: germline.
Comment: The c.2097+4A>T intronic variant results from an A to T substitution 4 nucleotides after coding exon 13 in the BRIP1 gene. This nucleotide position is well conserved in available vertebrate species. In silico splice site analysis predicts that this alteration will not have any significant effect on splicing. Based on the available evidence, the clinical significance of this variant remains unclear.